The following is an entry in ClinVar:

ClinVar aggregate classification (germline): Uncertain significance (1 of 4 stars; one submission).

Conditions:
SCAPER-related disorder. Also called: SCAPER-related condition.

Submission:

PreventionGenetics, part of Exact Sciences
Classification: Uncertain significance for SCAPER-related condition. Last evaluated: 2024-10-10. Review status: criteria provided, single submitter. Criteria: ACMG Guidelines, 2015. Collection method: clinical testing. Allele origin: germline.
Comment: The SCAPER c.3223C>A variant is predicted to result in the amino acid substitution p.Pro1075Thr. To our knowledge, this variant has not been reported in the literature or in a large population database (gnomAD), indicating this variant is rare. At this time, the clinical significance of this variant is uncertain due to the absence of conclusive functional and genetic evidence.

NM_020843.4(SCAPER):c.3205C>A (p.Pro1069Thr)

Genes: SCAPER (S-phase cyclin A associated protein in the ER; minus strand), LOC126862183 (BRD4-independent group 4 enhancer GRCh37_chr15:76726060-76727259; plus strand). Cytogenetic location: 15q24.3.
Variant type: single nucleotide variant.
Coding change: c.3205C>A on transcript NM_020843.4 (MANE Select); coding-DNA position 3205, C replaced by A.
Protein change: p.Pro1069Thr; replaces proline 1069 with threonine.
Molecular consequence: missense variant. On other transcripts: non-coding transcript variant (1).
Genome position (GRCh38, 1-based): chr15:76,434,184, G>T on the plus strand (C>A on the coding strand, the complement: SCAPER is on the minus strand). VCF-style: chr15-76434184-G-T. GRCh37 (hg19) VCF-style: chr15-76726525-G-T.
Other names: c.2467C>A, p.Pro823Thr (NM_001145923.2); c.3223C>A, p.Pro1075Thr (NM_001353009.2); c.2803C>A, p.Pro935Thr (NM_001353010.2, NM_001353012.2); c.2821C>A, p.Pro941Thr (NM_001353011.2); short protein forms P1069T, P935T, P823T, P1075T, P941T.
Identifiers: ClinVar variation 5000804 (VCV005000804.1).